The following is an entry in ClinVar:

ClinVar aggregate classification (germline): Uncertain significance. Review status: criteria provided, multiple submitters, no conflicts (2 of 4 stars). 2 submissions from 2 submitters: Uncertain significance (2). Last evaluated 2025-03-03.

Conditions:
Inborn genetic diseases. Identifiers: MedGen C0950123, MeSH D030342.
Mucopolysaccharidosis type 1. Also called: IDUA deficiency; MPS I; Mucopolysaccharidosis Type I. Identifiers: Orphanet 579, MedGen C0023786, MONDO:0001586.

Allele frequency attached by ClinVar (database versions not stated): gnomAD 0.00004.
gnomAD v4.1: 36 of 1,411,036 alleles (0.0026%); highest among the groups gnomAD compares: African/African-American, 0.011%; no homozygotes.

Submissions (2):

Ambry Genetics
Classification: Uncertain significance for Inborn genetic diseases. Last evaluated: 2025-03-03. Review status: criteria provided, single submitter. Criteria: Ambry Variant Classification Scheme 2023. Collection method: clinical testing. Allele origin: germline.

Labcorp Genetics (formerly Invitae), Labcorp
Classification: Uncertain significance for Mucopolysaccharidosis type 1. Last evaluated: 2024-05-05. Review status: criteria provided, single submitter. Criteria: Invitae Variant Classification Sherloc (09022015). Collection method: clinical testing. Allele origin: germline.
Comment: This sequence change replaces proline, which is neutral and non-polar, with threonine, which is neutral and polar, at codon 21 of the IDUA protein (p.Pro21Thr). This variant is present in population databases (rs778952883, gnomAD 0.01%). This variant has not been reported in the literature in individuals affected with IDUA-related conditions. ClinVar contains an entry for this variant (Variation ID: 2171308). Advanced modeling of protein sequence and biophysical properties (such as structural, functional, and spatial information, amino acid conservation, physicochemical variation, residue mobility, and thermodynamic stability) performed at Invitae indicates that this missense variant is not expected to disrupt IDUA protein function with a negative predictive value of 95%. In summary, the available evidence is currently insufficient to determine the role of this variant in disease. Therefore, it has been classified as a Variant of Uncertain Significance.

NM_000203.5(IDUA):c.61C>A (p.Pro21Thr)

Genes: IDUA (alpha-L-iduronidase; plus strand), SLC26A1 (solute carrier family 26 member 1; minus strand). Cytogenetic location: 4p16.3.
Variant type: single nucleotide variant.
Coding change: c.61C>A on transcript NM_000203.5 (MANE Select); coding-DNA position 61, C replaced by A.
Protein change: p.Pro21Thr; replaces proline 21 with threonine.
Molecular consequence: missense variant. On other transcripts: non-coding transcript variant (1), intron variant (1).
Genome position (GRCh38, 1-based): chr4:987,145, C>A. VCF-style: chr4-987145-C-A. GRCh37 (hg19) VCF-style: chr4-980933-C-A.
Other names: c.576+3983G>T (NM_134425.4); short protein forms P21T.
Identifiers: ClinVar variation 2171308 (VCV002171308.3), dbSNP rs778952883, ClinGen allele CA2801106.
Genomic context (GRCh38, chr4:987,145, plus strand): 5'-ATGCGTCCCCTGCGCCCCCGCGCCGCGCTGCTGGCGCTCCTGGCCTCGCTCCTGGCCGCG[C>A]CCCCGGTGGCCCCGGCCGAGGCCCCGCACCTGGTGCATGTGGACGCGGCCCGCGCGCTGT-3'
Protein context (NP_000194.2, residues 11-31): LALLASLLAA[Pro21Thr]PVAPAEAPHL